The following is an entry in ClinVar:

ClinVar aggregate classification (germline): Uncertain significance (1 of 4 stars; one submission).

Conditions:
Duchenne muscular dystrophy (DMD). Also called: MUSCULAR DYSTROPHY, PSEUDOHYPERTROPHIC PROGRESSIVE, DUCHENNE TYPE; Duchenne Muscular Dystrophy (DMD). Identifiers: Orphanet 98896, MedGen C0013264, MONDO:0010679, OMIM 310200.

gnomAD v4.1: 1 of 1,210,713 alleles (0.000083%); highest among the groups gnomAD compares: Admixed American, 0.0022%; no homozygotes.

Submission:

Labcorp Genetics (formerly Invitae), Labcorp
Classification: Uncertain significance for Duchenne muscular dystrophy. Last evaluated: 2024-07-19. Review status: criteria provided, single submitter. Criteria: Invitae Variant Classification Sherloc (09022015). Collection method: clinical testing. Allele origin: germline.
Comment: This sequence change replaces isoleucine, which is neutral and non-polar, with valine, which is neutral and non-polar, at codon 964 of the DMD protein (p.Ile964Val). This variant is not present in population databases (gnomAD no frequency). This variant has not been reported in the literature in individuals affected with DMD-related conditions. Advanced modeling of protein sequence and biophysical properties (such as structural, functional, and spatial information, amino acid conservation, physicochemical variation, residue mobility, and thermodynamic stability) performed at Invitae indicates that this missense variant is not expected to disrupt DMD protein function with a negative predictive value of 95%. In summary, the available evidence is currently insufficient to determine the role of this variant in disease. Therefore, it has been classified as a Variant of Uncertain Significance.

NM_004006.3(DMD):c.2890A>G (p.Ile964Val)

Gene: DMD (dystrophin; minus strand). Cytogenetic location: Xp21.1.
Variant type: single nucleotide variant.
Coding change: c.2890A>G on transcript NM_004006.3 (MANE Select); coding-DNA position 2890, A replaced by G.
Protein change: p.Ile964Val; replaces isoleucine 964 with valine.
Molecular consequence: missense variant.
Genome position (GRCh38, 1-based): chrX:32,472,223, T>C on the plus strand (A>G on the coding strand, the complement: DMD is on the minus strand). VCF-style: chrX-32472223-T-C. GRCh37 (hg19) VCF-style: chrX-32490340-T-C.
Other names: c.2866A>G, p.Ile956Val (NM_000109.4); c.2878A>G, p.Ile960Val (NM_004009.3); c.2521A>G, p.Ile841Val (NM_004010.3); short protein forms I841V, I956V, I964V, I960V.
Identifiers: ClinVar variation 3675011 (VCV003675011.2).
Genomic context (GRCh38, chrX:32,472,223, plus strand): 5'-CCTGCAATTCCCCGAGTCTCTGCTCCATGATTTCATAGTCGGTGACACTAAGTTGAGGTA[T>C]GGAGAGTTTGGTTTCTGACTGCTGGACCCATGTCCTGATGGCACTCATGGTCTCCTGATA-3'
Protein context (NP_003997.2, residues 954-974): WVQQSETKLS[Ile964Val]PQLSVTDYEI